The following is an entry in ClinVar:

ClinVar aggregate classification (germline): Uncertain significance. Review status: criteria provided, multiple submitters, no conflicts (2 of 4 stars). 2 submissions from 2 submitters: Uncertain significance (2). Last evaluated 2024-10-20.

Conditions:
Inborn genetic diseases. Identifiers: MedGen C0950123, MeSH D030342.

Submissions (2):

Ambry Genetics
Classification: Uncertain significance for Inborn genetic diseases. Last evaluated: 2024-10-20. Review status: criteria provided, single submitter. Criteria: Ambry Variant Classification Scheme 2023. Collection method: clinical testing. Allele origin: germline.
Comment: The p.I1998N variant (also known as c.5993T>A), located in coding exon 35 of the ATR gene, results from a T to A substitution at nucleotide position 5993. The isoleucine at codon 1998 is replaced by asparagine, an amino acid with dissimilar properties. This amino acid position is conserved. In addition, the in silico prediction for this alteration is inconclusive. Based on the available evidence, the clinical significance of this variant remains unclear.

Labcorp Genetics (formerly Invitae), Labcorp
Classification: Uncertain significance. Last evaluated: 2021-07-14. Review status: criteria provided, single submitter. Criteria: Invitae Variant Classification Sherloc (09022015). Collection method: clinical testing. Allele origin: germline.
Comment: This sequence change replaces isoleucine with asparagine at codon 1998 of the ATR protein (p.Ile1998Asn). The isoleucine residue is moderately conserved and there is a large physicochemical difference between isoleucine and asparagine. This variant is not present in population databases (ExAC no frequency). This variant has not been reported in the literature in individuals affected with ATR-related conditions. Algorithms developed to predict the effect of missense changes on protein structure and function are either unavailable or do not agree on the potential impact of this missense change (SIFT: "Tolerated"; PolyPhen-2: "Possibly Damaging"; Align-GVGD: "Class C0"). In summary, the available evidence is currently insufficient to determine the role of this variant in disease. Therefore, it has been classified as a Variant of Uncertain Significance.

NM_001184.4(ATR):c.5993T>A (p.Ile1998Asn)

Gene: ATR (ATR checkpoint kinase; minus strand). Cytogenetic location: 3q23.
Variant type: single nucleotide variant.
Coding change: c.5993T>A on transcript NM_001184.4 (MANE Select); coding-DNA position 5993, T replaced by A.
Protein change: p.Ile1998Asn; replaces isoleucine 1998 with asparagine.
Molecular consequence: missense variant.
Genome position (GRCh38, 1-based): chr3:142,493,217, A>T on the plus strand (T>A on the coding strand, the complement: ATR is on the minus strand). VCF-style: chr3-142493217-A-T. GRCh37 (hg19) VCF-style: chr3-142212059-A-T.
Other names: c.5801T>A, p.Ile1934Asn (NM_001354579.2); c.5993T>A (NM_001184.3); short protein forms I1934N, I1998N.
Identifiers: ClinVar variation 1365417 (VCV001365417.9), dbSNP rs2108325941, ClinGen allele CA354811526.